The following is an entry in ClinVar:

ClinVar aggregate classification (germline): Uncertain significance (1 of 4 stars; one submission).

Conditions:
Hereditary nonpolyposis colorectal neoplasms. Identifiers: MedGen C0009405, MeSH D003123.

gnomAD v4.1: 1 of 1,614,108 alleles (0.000062%); no homozygotes.

Submission:

Labcorp Genetics (formerly Invitae), Labcorp
Classification: Uncertain significance for Hereditary nonpolyposis colorectal neoplasms. Last evaluated: 2025-04-14. Review status: criteria provided, single submitter. Criteria: Invitae Variant Classification Sherloc (09022015). Collection method: clinical testing. Allele origin: germline.
Comment: This sequence change replaces glutamic acid, which is acidic and polar, with glutamine, which is neutral and polar, at codon 518 of the PMS2 protein (p.Glu518Gln). This variant is not present in population databases (gnomAD no frequency). This variant has not been reported in the literature in individuals affected with PMS2-related conditions. ClinVar contains an entry for this variant (Variation ID: 2015958). Invitae Evidence Modeling incorporating data from in vitro experimental studies (internal data) indicates that this missense variant is not expected to disrupt PMS2 function with a negative predictive value of 95%. In summary, the available evidence is currently insufficient to determine the role of this variant in disease. Therefore, it has been classified as a Variant of Uncertain Significance.

NM_000535.7(PMS2):c.1552G>C (p.Glu518Gln)

Gene: PMS2 (PMS1 homolog 2, mismatch repair system component; minus strand). Cytogenetic location: 7p22.1.
Variant type: single nucleotide variant.
Coding change: c.1552G>C on transcript NM_000535.7 (MANE Select); coding-DNA position 1552, G replaced by C.
Protein change: p.Glu518Gln; replaces glutamic acid 518 with glutamine.
Molecular consequence: missense variant. On other transcripts: non-coding transcript variant (1).
Genome position (GRCh38, 1-based): chr7:5,987,213, C>G on the plus strand (G>C on the coding strand, the complement: PMS2 is on the minus strand). VCF-style: chr7-5987213-C-G. GRCh37 (hg19) VCF-style: chr7-6026844-C-G.
Other names: c.1147G>C, p.Glu383Gln (NM_001018040.1, NM_001322003.2, NM_001322004.2 and 17 more transcripts); c.1396G>C, p.Glu466Gln (NM_001322006.2, NM_001406870.1); c.1234G>C, p.Glu412Gln (NM_001322007.2, NM_001322008.2, NM_001406876.1 and 2 more transcripts); c.991G>C, p.Glu331Gln (NM_001322010.2, NM_001406906.1, NM_001406907.1); c.619G>C, p.Glu207Gln (NM_001322011.2, NM_001322012.2); c.1354G>C, p.Glu452Gln (NM_001406873.1); c.1384G>C, p.Glu462Gln (NM_001406874.1); c.1243G>C, p.Glu415Gln (NM_001406875.1, NM_001406877.1, NM_001406878.1 and 5 more transcripts); and 12 more; short protein forms E207Q, E383Q, E415Q, E466Q, E261Q, E406Q, E410Q, E452Q.
Identifiers: ClinVar variation 2015958 (VCV002015958.4), dbSNP rs376142390, ClinGen allele CA366741605.